The following is an entry in ClinVar:

ClinVar aggregate classification (germline): Uncertain significance. Review status: criteria provided, single submitter (1 of 4 stars). 3 submissions from 3 submitters: Uncertain significance (1). 2 of the submissions do not count toward it. Last evaluated 2025-02-20.

Conditions:
TNF receptor-associated periodic fever syndrome (TRAPS) (FPF). Also called: Autosomal Dominant Familial Periodic Fever; TNF Receptor-Associated Periodic Fever Syndrome; FAMILIAL HIBERNIAN FEVER; TNF receptor 1-associated periodic fever syndrome; TNF RECEPTOR-ASSOCIATED PERIODIC SYNDROME; TUMOR NECROSIS FACTOR RECEPTOR-ASSOCIATED PERIODIC SYNDROME. Identifiers: Orphanet 32960, MedGen C1275126, MONDO:0007727, OMIM 142680.

Submissions (3):

Labcorp Genetics (formerly Invitae), Labcorp
Classification: Uncertain significance for TNF receptor-associated periodic fever syndrome (TRAPS). Last evaluated: 2025-02-20. Review status: criteria provided, single submitter. Criteria: Invitae Variant Classification Sherloc (09022015). Collection method: clinical testing. Allele origin: germline.
Comment: This sequence change replaces arginine, which is basic and polar, with proline, which is neutral and non-polar, at codon 121 of the TNFRSF1A protein (p.Arg121Pro). This variant is present in population databases (rs4149584, gnomAD 0.0009%). This missense change has been observed in individuals with clinical features of TNF-receptor associated periodic syndrome (PMID: 11175303, 23965844, 33165748; internal data). This variant is also known as R92P. ClinVar contains an entry for this variant (Variation ID: 12341). Invitae Evidence Modeling of protein sequence and biophysical properties (such as structural, functional, and spatial information, amino acid conservation, physicochemical variation, residue mobility, and thermodynamic stability) has been performed for this missense variant. However, the output from this modeling did not meet the statistical confidence thresholds required to predict the impact of this variant on TNFRSF1A protein function. Experimental studies have shown that this missense change affects TNFRSF1A function (PMID: 16684962). In summary, the available evidence is currently insufficient to determine the role of this variant in disease. Therefore, it has been classified as a Variant of Uncertain Significance.

OMIM
Classification: Pathogenic for PERIODIC FEVER, FAMILIAL, AUTOSOMAL DOMINANT. Last evaluated: 2001-01-01. Review status: no assertion criteria provided. Collection method: literature only. Allele origin: germline. Not counted in ClinVar's aggregate classification.

Unité médicale des maladies autoinflammatoires, CHRU Montpellier
No classification provided. Condition: TNF receptor-associated periodic fever syndrome (TRAPS). Review status: no classification provided. Collection method: not provided. Allele origin: unknown. Not counted in ClinVar's aggregate classification.

Literature cited by the submitters: PubMed 11175303 (cited by Labcorp Genetics (formerly Invitae), Labcorp and OMIM); PubMed 23965844 (cited by Labcorp Genetics (formerly Invitae), Labcorp); PubMed 33165748 (cited by Labcorp Genetics (formerly Invitae), Labcorp); PubMed 16684962 (cited by Labcorp Genetics (formerly Invitae), Labcorp).

NM_001065.4(TNFRSF1A):c.362G>C (p.Arg121Pro)

Gene: TNFRSF1A (TNF receptor superfamily member 1A; minus strand). Cytogenetic location: 12p13.31.
Variant type: single nucleotide variant.
Coding change: c.362G>C on transcript NM_001065.4 (MANE Select); coding-DNA position 362, G replaced by C.
Protein change: p.Arg121Pro; replaces arginine 121 with proline.
Molecular consequence: missense variant. On other transcripts: 5 prime UTR variant (1), non-coding transcript variant (1).
Genome position (GRCh38, 1-based): chr12:6,333,477, C>G on the plus strand (G>C on the coding strand, the complement: TNFRSF1A is on the minus strand). VCF-style: chr12-6333477-C-G. GRCh37 (hg19) VCF-style: chr12-6442643-C-G.
Other names: R92P; c.38G>C, p.Arg13Pro (NM_001346091.2); c.-216G>C (NM_001346092.2); short protein forms R121P, R13P.
Identifiers: ClinVar variation 12341 (VCV000012341.2), dbSNP rs4149584, ClinGen allele CA280157.